The following is an entry in ClinVar:

ClinVar aggregate classification (germline): Benign/Likely benign. Review status: criteria provided, multiple submitters, no conflicts (2 of 4 stars). 4 submissions from 4 submitters: Benign (1); Likely benign (2). 1 of the submissions does not count toward it. Last evaluated 2024-11-20.

Conditions:
KRT5-related disorder. Also called: KRT5-related condition.
Epidermolysis bullosa simplex. Also called: Epidermolysis bullosa simplex, Weber-Cockayne type (subtype); Epidermolysis bullosa simplex, Dowling-Meara type (subtype); Epidermolysis bullosa simplex with mottled pigmentation (subtype). Identifiers: Orphanet 304, MedGen C0079298, MONDO:0017610.

Allele frequency attached by ClinVar (database versions not stated): ExAC 0.00038; ESP Exome Variant Server 0.00038; gnomAD 0.00042 and 0.00045; gnomAD exomes 0.00042 and 0.00096; TOPMed 0.00043; 1000 Genomes Project 0.00060; 1000 Genomes Project 30x 0.00078.
gnomAD v4.1: 1,504 of 1,613,864 alleles (0.093%); highest among the groups gnomAD compares: Non-Finnish European, 0.11%; 2 homozygotes.

Submissions (4):

Blueprint Genetics
Classification: Likely benign. Last evaluated: 2024-11-20. Review status: criteria provided, single submitter. Criteria: ACMG Guidelines, 2015. Collection method: clinical testing. Allele origin: germline.

Labcorp Genetics (formerly Invitae), Labcorp
Classification: Likely benign. Last evaluated: 2023-12-21. Review status: criteria provided, single submitter. Criteria: Invitae Variant Classification Sherloc (09022015). Collection method: clinical testing. Allele origin: germline.

Illumina Laboratory Services, Illumina
Classification: Benign for Epidermolysis bullosa simplex. Last evaluated: 2018-01-13. Review status: criteria provided, single submitter. Criteria: ICSL Variant Classification Criteria 13 December 2019. Collection method: clinical testing. Allele origin: germline.
Comment: This variant was observed in the ICSL laboratory as part of a predisposition screen in an ostensibly healthy population. It had not been previously curated by ICSL or reported in the Human Gene Mutation Database (HGMD: prior to June 1st, 2018), and was therefore a candidate for classification through an automated scoring system. Utilizing variant allele frequency, disease prevalence and penetrance estimates, and inheritance mode, an automated score was calculated to assess if this variant is too frequent to cause the disease. Based on the score and internal cut-off values, a variant classified as benign is not then subjected to further curation. The score for this variant resulted in a classification of benign for this disease.

PreventionGenetics, part of Exact Sciences
Classification: Likely benign for KRT5-related condition. Last evaluated: 2024-08-31. Review status: no assertion criteria provided. Collection method: clinical testing. Allele origin: germline. Not counted in ClinVar's aggregate classification.
Comment: This variant is classified as likely benign based on ACMG/AMP sequence variant interpretation guidelines (Richards et al. 2015 PMID: 25741868, with internal and published modifications).

NM_000424.4(KRT5):c.39C>T (p.Gly13=)

Gene: KRT5 (keratin 5; minus strand). Cytogenetic location: 12q13.13.
Variant type: single nucleotide variant.
Coding change: c.39C>T on transcript NM_000424.4 (MANE Select); coding-DNA position 39, C replaced by T.
Protein change: p.Gly13=; no amino-acid change (glycine 13 retained).
Molecular consequence: synonymous variant.
Genome position (GRCh38, 1-based): chr12:52,520,258, G>A on the plus strand (C>T on the coding strand, the complement: KRT5 is on the minus strand). VCF-style: chr12-52520258-G-A. GRCh37 (hg19) VCF-style: chr12-52914042-G-A.
Identifiers: ClinVar variation 309576 (VCV000309576.16), dbSNP rs116931869, ClinGen allele CA6582949.
Genomic context (GRCh38, chr12:52,520,258, plus strand): 5'-GGTGAAGCTGGTGCGGGAGACAGACGGGGTGATGGCAGAGGCGGTGCTGAAGCTACGACT[G>A]CCCCCGCTCCGGAAGGACACACTTGACTGGCGAGACATGGTGGCTTGTTCCTGGTGGAGC-3'
Protein context (NP_000415.2, residues 3-23): RQSSVSFRSG[Gly13=]SRSFSTASAI